The following is an entry in ClinVar:

NC_012920.1(MT-TS2):m.12250C>T

Gene: MT-TS2 (mitochondrially encoded tRNA serine 2 (AGU/C); plus strand).
Variant type: single nucleotide variant.
Genome position: chrM-12250-C-T.
Identifiers: ClinVar variation 690175 (VCV000690175.1), dbSNP rs1603223639, ClinGen allele CA913169860.

ClinVar aggregate classification (germline): Uncertain significance (1 of 4 stars; one submission).

Conditions:
MELAS syndrome (MELAS). Also called: Juvenile myopathy, encephalopathy, lactic acidosis, stroke. Identifiers: Orphanet 550, MedGen C0162671, MONDO:0010789, OMIM 540000.

Submission:

Wong Mito Lab, Molecular and Human Genetics, Baylor College of Medicine
Classification: Uncertain significance for MELAS syndrome. Last evaluated: 2019-07-12. Review status: criteria provided, single submitter. Criteria: Modified ACMG Guidelines (Unpublished). Collection method: clinical testing. Allele origin: germline.
Comment: The NC_012920.1:m.12250C>T variant in MT-TS2 gene is interpreted to be a Unknown Significance variant based on the modified ACMG guidelines (unpublished). This variant meets the following evidence codes reported in the guidelines: BP4

Literature cited by the submitters: PubMed 31965079.